The following is an entry in ClinVar:

ClinVar aggregate classification (germline): Likely pathogenic (1 of 4 stars; one submission).

Conditions:
RAI1-related disorder. Also called: RAI1-related condition.

Submission:

PreventionGenetics, part of Exact Sciences
Classification: Likely pathogenic for RAI1-related condition. Last evaluated: 2024-12-11. Review status: criteria provided, single submitter. Criteria: ACMG Guidelines, 2015. Collection method: clinical testing. Allele origin: germline.
Comment: The RAI1 c.4855dupG variant is predicted to result in a frameshift and premature protein termination (p.Asp1619Glyfs*91). To our knowledge, this variant has not been reported in the literature or in a large population database (gnomAD), indicating this variant is rare. Frameshift variants in RAI1 are expected to be pathogenic. This variant is interpreted as likely pathogenic.

NM_030665.4(RAI1):c.4855dup (p.Asp1619fs)

Gene: RAI1 (retinoic acid induced 1; plus strand). Cytogenetic location: 17p11.2.
Variant type: Duplication.
Coding change: c.4855dup on transcript NM_030665.4 (MANE Select); coding-DNA position 4855, one base duplicated (G; older notation c.4855dupG).
Protein change: p.Asp1619fs; shifts the reading frame from aspartic acid 1619.
Molecular consequence: frameshift variant.
Genome position (GRCh38, 1-based): chr17:17,797,803, G duplicated. VCF-style (leftmost placement, unchanged base first): chr17-17797802-A-AG. GRCh37 (hg19) VCF-style: chr17-17701116-A-AG.
Other names: short protein forms D1619fs.
Identifiers: ClinVar variation 4985606 (VCV004985606.1).